The following is an entry in ClinVar:

NM_000059.4(BRCA2):c.926C>A (p.Ser309Ter)

Gene: BRCA2 (BRCA2 DNA repair associated; plus strand). Cytogenetic location: 13q13.1.
Variant type: single nucleotide variant.
Coding change: c.926C>A on transcript NM_000059.4 (MANE Select); coding-DNA position 926, C replaced by A.
Protein change: p.Ser309Ter; replaces serine 309 with a stop codon.
Molecular consequence: nonsense.
Genome position (GRCh38, 1-based): chr13:32,332,404, C>A. VCF-style: chr13-32332404-C-A. GRCh37 (hg19) VCF-style: chr13-32906541-C-A.
Other names: short protein forms S309*.
Identifiers: ClinVar variation 254485 (VCV000254485.10), dbSNP rs886038059, ClinGen allele CA10586488.

ClinVar aggregate classification (germline): Pathogenic. Review status: reviewed by expert panel (3 of 4 stars). 4 submissions from 4 submitters: Pathogenic (1). 3 of the submissions do not count toward it. Last evaluated 2016-09-08.

Conditions:
Breast-ovarian cancer, familial, susceptibility to, 2 (BROVCA2). Also called: BRCA2 Hereditary Breast and Ovarian Cancer. Identifiers: Orphanet 145, MedGen C2675520, MONDO:0012933, OMIM 612555. Disease mechanism: loss of function.

Submissions (4):

Evidence-based Network for the Interpretation of Germline Mutant Alleles (ENIGMA)
Classification: Pathogenic for Breast-ovarian cancer, familial, susceptibility to, 2. Last evaluated: 2016-09-08. Review status: reviewed by expert panel. Criteria: ENIGMA BRCA1/2 Classification Criteria (2015). Collection method: curation. Allele origin: germline.
Comment: Variant allele predicted to encode a truncated non-functional protein.

Consortium of Investigators of Modifiers of BRCA1/2 (CIMBA), c/o University of Cambridge
Classification: Pathogenic for Breast-ovarian cancer, familial, susceptibility to, 2. Last evaluated: 2015-10-02. Review status: criteria provided, single submitter. Criteria: CIMBA Mutation Classification guidelines May 2016. Collection method: clinical testing. Allele origin: germline. Not counted in ClinVar's aggregate classification.

Diagnostic Laboratory, Department of Genetics, University Medical Center Groningen
Classification: Pathogenic. Review status: no assertion criteria provided. Collection method: clinical testing. Allele origin: germline. Affected: yes. Study: VKGL Data-share Consensus. Not counted in ClinVar's aggregate classification.

Joint Genome Diagnostic Labs from Nijmegen and Maastricht, Radboudumc and MUMC+
Classification: Pathogenic. Review status: no assertion criteria provided. Collection method: clinical testing. Allele origin: germline. Affected: yes. Study: VKGL Data-share Consensus. Not counted in ClinVar's aggregate classification.